The following is an entry in ClinVar:

NM_001365088.1(SLC12A6):c.2157C>G (p.Tyr719Ter)

Gene: SLC12A6 (solute carrier family 12 member 6; minus strand). Cytogenetic location: 15q14.
Variant type: single nucleotide variant.
Coding change: c.2157C>G on transcript NM_001365088.1 (MANE Select); coding-DNA position 2157, C replaced by G.
Protein change: p.Tyr719Ter; replaces tyrosine 719 with a stop codon.
Molecular consequence: nonsense.
Genome position (GRCh38, 1-based): chr15:34,242,107, G>C on the plus strand (C>G on the coding strand, the complement: SLC12A6 is on the minus strand). VCF-style: chr15-34242107-G-C. GRCh37 (hg19) VCF-style: chr15-34534308-G-C.
Other names: c.1980C>G, p.Tyr660Ter (NM_001042494.2, NM_001042495.2); c.2130C>G, p.Tyr710Ter (NM_001042496.2); c.2112C>G, p.Tyr704Ter (NM_001042497.2); c.2004C>G, p.Tyr668Ter (NM_005135.2); c.2157C>G, p.Tyr719Ter (NM_133647.2); short protein forms Y660*, Y710*, Y719*, Y704*, Y668*.
Identifiers: ClinVar variation 1454033 (VCV001454033.6), dbSNP rs2140670011, ClinGen allele CA391620179.
Genomic context (GRCh38, chr15:34,242,107, plus strand): 5'-CAAACTAGCTAGTCTTGCTACTTTTAGCAGTGATCAAGATTAAATCCACACTCACCCTTG[G>C]TATTCAATGTACTTGTAGATCATACCAGCTATTACCATGGCTACAATGGCATAATACCAG-3'

ClinVar aggregate classification (germline): Pathogenic (1 of 4 stars; one submission).

Submission:

Labcorp Genetics (formerly Invitae), Labcorp
Classification: Pathogenic. Last evaluated: 2020-12-17. Review status: criteria provided, single submitter. Criteria: Invitae Variant Classification Sherloc (09022015). Collection method: clinical testing. Allele origin: germline.
Comment: For these reasons, this variant has been classified as Pathogenic. This variant has not been reported in the literature in individuals with SLC12A6-related conditions. This variant is not present in population databases (ExAC no frequency). This sequence change creates a premature translational stop signal (p.Tyr719*) in the SLC12A6 gene. It is expected to result in an absent or disrupted protein product. Loss-of-function variants in SLC12A6 are known to be pathogenic (PMID: 12368912, 16606917).

Literature cited by the submitters: PubMed 12368912; PubMed 16606917.